The following is an entry in ClinVar:

ClinVar aggregate classification (germline): Benign/Likely benign. Review status: criteria provided, multiple submitters, no conflicts (2 of 4 stars). 2 submissions from 2 submitters: Benign (1); Likely benign (1). Last evaluated 2025-11-16.

Allele frequency attached by ClinVar (database versions not stated): TOPMed 0.00001; gnomAD exomes 0.00001.
gnomAD v4.1: 15 of 1,197,788 alleles (0.0013%); highest among the groups gnomAD compares: Middle Eastern, 0.32%; no homozygotes.

Submissions (2):

Labcorp Genetics (formerly Invitae), Labcorp
Classification: Benign. Last evaluated: 2025-11-16. Review status: criteria provided, single submitter. Criteria: Invitae Variant Classification Sherloc (09022015). Collection method: clinical testing. Allele origin: germline.

CeGaT Center for Human Genetics Tuebingen
Classification: Likely benign. Last evaluated: 2022-03-01. Review status: criteria provided, single submitter. Criteria: CeGaT Center For Human Genetics Tuebingen Variant Classification Criteria Version 2. Collection method: clinical testing. Allele origin: germline. Affected: yes. Observed: 1 variant allele.
Comment: PHF8: BP4, BP7

NM_015107.3(PHF8):c.531A>G (p.Lys177=)

Gene: PHF8 (PHD finger protein 8; minus strand). Cytogenetic location: Xp11.22.
Variant type: single nucleotide variant.
Coding change: c.531A>G on transcript NM_015107.3 (MANE Select); coding-DNA position 531, A replaced by G.
Protein change: p.Lys177=; no amino-acid change (lysine 177 retained).
Molecular consequence: synonymous variant.
Genome position (GRCh38, 1-based): chrX:54,016,660, T>C on the plus strand (A>G on the coding strand, the complement: PHF8 is on the minus strand). VCF-style: chrX-54016660-T-C. GRCh37 (hg19) VCF-style: chrX-54043093-T-C.
Other names: c.639A>G, p.Lys213= (NM_001184896.1); c.531A>G, p.Lys177= (NM_001184897.2, NM_001184898.2).
Identifiers: ClinVar variation 2660651 (VCV002660651.25), dbSNP rs1447437157, ClinGen allele CA516565444.